The following is an entry in ClinVar:

ClinVar aggregate classification (germline): Conflicting classifications of pathogenicity. Review status: criteria provided, conflicting classifications (1 of 4 stars). 4 submissions from 4 submitters: Uncertain significance (3); Likely benign (1). Last evaluated 2026-01-05.

Conditions:
Developmental and epileptic encephalopathy, 42 (DEE42A). Also called: DEVELOPMENTAL AND EPILEPTIC ENCEPHALOPATHY 42A; EPILEPTIC ENCEPHALOPATHY, EARLY INFANTILE, 42A; Epileptic encephalopathy, early infantile, 42. Identifiers: MedGen C4310716, MONDO:0014917, OMIM 617106.
Episodic ataxia type 2 (EA2). Also called: ACETAZOLAMIDE-RESPONSIVE HEREDITARY PAROXYSMAL CEREBELLAR ATAXIA; ATAXIA, EPISODIC, WITH NYSTAGMUS; ATAXIA, FAMILIAL PAROXYSMAL; CEREBELLAR ATAXIA, PAROXYSMAL, ACETAZOLAMIDE-RESPONSIVE; CEREBELLOPATHY, HEREDITARY PAROXYSMAL; EPISODIC ATAXIA, NYSTAGMUS-ASSOCIATED. Identifiers: Orphanet 97, MedGen C1720416, MONDO:0007163, OMIM 108500.
Inborn genetic diseases. Identifiers: MedGen C0950123, MeSH D030342.

Allele frequency attached by ClinVar (database versions not stated): ExAC 0.00001; gnomAD 0.00001 and 0.00002; gnomAD exomes 0.00002; TOPMed 0.00002; 1000 Genomes Project 30x 0.00016; 1000 Genomes Project 0.00020.
gnomAD v4.1: 29 of 1,604,772 alleles (0.0018%); highest among the groups gnomAD compares: Admixed American, 0.0033%; no homozygotes.

Submissions (4):

Labcorp Genetics (formerly Invitae), Labcorp
Classification: Likely benign for Developmental and epileptic encephalopathy, 42; Episodic ataxia type 2. Last evaluated: 2026-01-05. Review status: criteria provided, single submitter. Criteria: Invitae Variant Classification Sherloc (09022015). Collection method: clinical testing. Allele origin: germline.

GeneDx
Classification: Uncertain significance. Last evaluated: 2024-05-10. Review status: criteria provided, single submitter. Criteria: GeneDx Variant Classification Process June 2021. Collection method: clinical testing. Allele origin: germline. Affected: yes.
Comment: In silico analysis supports that this missense variant has a deleterious effect on protein structure/function; Has not been previously published as pathogenic or benign to our knowledge

Athena Diagnostics
Classification: Uncertain significance. Last evaluated: 2023-01-16. Review status: criteria provided, single submitter. Criteria: Athena Diagnostics Criteria. Collection method: clinical testing. Allele origin: unknown.
Comment: Available data are insufficient to determine the clinical significance of the variant at this time. The frequency of this variant in the general population is uninformative in assessment of its pathogenicity. Computational tools disagree on the variant's effect on normal protein function. This variant has been seen where an alternate explanation for disease was also identified, suggesting this variant may not cause disease.

Ambry Genetics
Classification: Uncertain significance for Inborn genetic diseases. Last evaluated: 2017-04-04. Review status: criteria provided, single submitter. Criteria: Ambry Variant Classification Scheme 2023. Collection method: clinical testing. Allele origin: germline.
Comment: The p.D517N variant (also known as c.1549G>A), located in coding exon 11 of the CACNA1A gene, results from a G to A substitution at nucleotide position 1549. The aspartic acid at codon 517 is replaced by asparagine, an amino acid with highly similar properties. This amino acid position is well conserved in available vertebrate species. In addition, this alteration is predicted to be tolerated by in silico analysis. Since supporting evidence is limited at this time, the clinical significance of this alteration remains unclear.

NM_001127222.2(CACNA1A):c.1546G>A (p.Asp516Asn)

Gene: CACNA1A (calcium voltage-gated channel subunit alpha1 A; minus strand). Cytogenetic location: 19p13.13.
Variant type: single nucleotide variant.
Coding change: c.1546G>A on transcript NM_001127222.2 (MANE Select); coding-DNA position 1546, G replaced by A.
Protein change: p.Asp516Asn; replaces aspartic acid 516 with asparagine.
Molecular consequence: missense variant.
Genome position (GRCh38, 1-based): chr19:13,317,121, C>T on the plus strand (G>A on the coding strand, the complement: CACNA1A is on the minus strand). VCF-style: chr19-13317121-C-T. GRCh37 (hg19) VCF-style: chr19-13427935-C-T.
Other names: c.1549G>A, p.Asp517Asn (NM_000068.4, NM_001127221.2, NM_001174080.2 and 1 more transcripts); c.1549G>A (NM_000068.2); short protein forms D517N, D516N.
Identifiers: ClinVar variation 588930 (VCV000588930.15), dbSNP rs185034915, ClinGen allele CA9240792.
Genomic context (GRCh38, chr19:13,317,121, plus strand): 5'-TGTGAGGGAGGGATCAGGGAGTTGGCAGGGGTGGGGCTGGGTGATACTCACAAAGGAAGT[C>T]GGAGAGCCACTCGGGCTGGTTGTAGTGAACAATAGCAACACACAGCGTGTTGAGAGCTAC-3'
Protein context (NP_001120694.1, residues 506-526): VHYNQPEWLS[Asp516Asn]FLYYAEFIFL